The following is an entry in ClinVar:

NM_022168.4(IFIH1):c.2795C>A (p.Thr932Asn)

Gene: IFIH1 (interferon induced with helicase C domain 1; minus strand). Cytogenetic location: 2q24.2.
Variant type: single nucleotide variant.
Coding change: c.2795C>A on transcript NM_022168.4 (MANE Select); coding-DNA position 2795, C replaced by A.
Protein change: p.Thr932Asn; replaces threonine 932 with asparagine.
Molecular consequence: missense variant.
Genome position (GRCh38, 1-based): chr2:162,268,099, G>T on the plus strand (C>A on the coding strand, the complement: IFIH1 is on the minus strand). VCF-style: chr2-162268099-G-T. GRCh37 (hg19) VCF-style: chr2-163124609-G-T.
Other names: short protein forms T932N.
Identifiers: ClinVar variation 2950932 (VCV002950932.3), dbSNP rs1690960053, ClinGen allele CA348990466.
Genomic context (GRCh38, chr2:162,268,099, plus strand): 5'-GCTTCACCCCTTGTGGAAAAATGTAAAAATGGGTCTTTCTGGACTCACTTGAATTCTGGG[G>T]TCATATTGACGTGATGCATTTTCTCAATTACATGGATATCTTCCCCAGAACAGGCTAGCA-3'
Protein context (NP_071451.2, residues 922-942): VIEKMHHVNM[Thr932Asn]PEFKELYIVR

ClinVar aggregate classification (germline): Uncertain significance (1 of 4 stars; one submission).

Conditions:
Singleton-Merten syndrome 1 (SGMRT1). Also called: Widened medullary cavities of bone, aortic calcification, abnormal dentition, and muscular weakness; Syndrome of widened medullary cavities of the metacarpals and phalanges, aortic calcification and abnormal dentition. Identifiers: Orphanet 85191, MedGen C4225427, MONDO:0024535, OMIM 182250.
Aicardi-Goutieres syndrome 7 (AGS7). Identifiers: Orphanet 51, MedGen C3888244, MONDO:0014367, OMIM 615846.

Submission:

Labcorp Genetics (formerly Invitae), Labcorp
Classification: Uncertain significance for Aicardi-Goutieres syndrome 7; Singleton-Merten syndrome 1. Last evaluated: 2023-12-15. Review status: criteria provided, single submitter. Criteria: Invitae Variant Classification Sherloc (09022015). Collection method: clinical testing. Allele origin: germline.
Comment: This sequence change replaces threonine, which is neutral and polar, with asparagine, which is neutral and polar, at codon 932 of the IFIH1 protein (p.Thr932Asn). This variant is not present in population databases (gnomAD no frequency). This variant has not been reported in the literature in individuals affected with IFIH1-related conditions. Advanced modeling of protein sequence and biophysical properties (such as structural, functional, and spatial information, amino acid conservation, physicochemical variation, residue mobility, and thermodynamic stability) has been performed at Invitae for this missense variant, however the output from this modeling did not meet the statistical confidence thresholds required to predict the impact of this variant on IFIH1 protein function. In summary, the available evidence is currently insufficient to determine the role of this variant in disease. Therefore, it has been classified as a Variant of Uncertain Significance.